The following is an entry in ClinVar:

ClinVar aggregate classification (germline): Uncertain significance. Review status: criteria provided, multiple submitters, no conflicts (2 of 4 stars). 2 submissions from 2 submitters: Uncertain significance (2). Last evaluated 2025-08-27.

Conditions:
Cardiovascular phenotype. Identifiers: MedGen CN230736.
Desmin-related myofibrillar myopathy (MFM1). Also called: Desminopathy; Desmin related myopathy (former name); Desmin storage myopathy (former name); DESMIN-RELATED MYOPATHY WITH ARRHYTHMOGENIC RIGHT VENTRICULAR CARDIOMYOPATHY; MYOFIBRILLAR MYOPATHY WITH ARRHYTHMOGENIC RIGHT VENTRICULAR CARDIOMYOPATHY; Myofibrillar myopathy 1. Identifiers: Orphanet 363543, Orphanet 98909, MedGen C1832370, MONDO:0011076, OMIM 601419.

Allele frequency attached by ClinVar (database versions not stated): TOPMed below 0.00001; gnomAD 0.00001.
gnomAD v4.1: 1 of 1,613,830 alleles (0.000062%); highest among the groups gnomAD compares: Admixed American, 0.0017%; no homozygotes.

Submissions (2):

Ambry Genetics
Classification: Uncertain significance for Cardiovascular phenotype. Last evaluated: 2025-08-27. Review status: criteria provided, single submitter. Criteria: Ambry Variant Classification Scheme 2023. Collection method: clinical testing. Allele origin: germline.

Labcorp Genetics (formerly Invitae), Labcorp
Classification: Uncertain significance for Desmin-related myofibrillar myopathy. Last evaluated: 2025-05-29. Review status: criteria provided, single submitter. Criteria: Invitae Variant Classification Sherloc (09022015). Collection method: clinical testing. Allele origin: germline.
Comment: This sequence change replaces serine, which is neutral and polar, with phenylalanine, which is neutral and non-polar, at codon 266 of the DES protein (p.Ser266Phe). This variant is not present in population databases (gnomAD no frequency). This variant has not been reported in the literature in individuals affected with DES-related conditions. ClinVar contains an entry for this variant (Variation ID: 1468082). Invitae Evidence Modeling of protein sequence and biophysical properties (such as structural, functional, and spatial information, amino acid conservation, physicochemical variation, residue mobility, and thermodynamic stability) has been performed for this missense variant. However, the output from this modeling did not meet the statistical confidence thresholds required to predict the impact of this variant on DES protein function. In summary, the available evidence is currently insufficient to determine the role of this variant in disease. Therefore, it has been classified as a Variant of Uncertain Significance.

NM_001927.4(DES):c.797C>T (p.Ser266Phe)

Gene: DES (desmin; plus strand). Cytogenetic location: 2q35.
Variant type: single nucleotide variant.
Coding change: c.797C>T on transcript NM_001927.4 (MANE Select); coding-DNA position 797, C replaced by T.
Protein change: p.Ser266Phe; replaces serine 266 with phenylalanine.
Molecular consequence: missense variant. On other transcripts: intron variant (1).
Genome position (GRCh38, 1-based): chr2:219,420,556, C>T. VCF-style: chr2-219420556-C-T. GRCh37 (hg19) VCF-style: chr2-220285278-C-T.
Other names: c.797C>T (NM_001927.3); c.794C>T, p.Ser265Phe (NM_001382708.1); c.797C>T, p.Ser266Phe (NM_001382710.1, NM_001382711.1, NM_001382712.1); c.527C>T, p.Ser176Phe (NM_001382713.1); c.735+210C>T (NM_001382709.1); short protein forms S176F, S265F, S266F.
Identifiers: ClinVar variation 1468082 (VCV001468082.7), dbSNP rs1316058461, ClinGen allele CA350691155.